The following is an entry in ClinVar:

NM_016180.5(SLC45A2):c.187G>C (p.Val63Leu)

Gene: SLC45A2 (solute carrier family 45 member 2; minus strand). Cytogenetic location: 5p13.2.
Variant type: single nucleotide variant.
Coding change: c.187G>C on transcript NM_016180.5 (MANE Select); coding-DNA position 187, G replaced by C.
Protein change: p.Val63Leu; replaces valine 63 with leucine.
Molecular consequence: missense variant.
Genome position (GRCh38, 1-based): chr5:33,984,397, C>G on the plus strand (G>C on the coding strand, the complement: SLC45A2 is on the minus strand). VCF-style: chr5-33984397-C-G. GRCh37 (hg19) VCF-style: chr5-33984502-C-G.
Other names: c.187G>C, p.Val63Leu (NM_001012509.4, NM_001297417.4); short protein forms V63L.
Identifiers: ClinVar variation 1349804 (VCV001349804.5), dbSNP rs779099623, ClinGen allele CA359397636.

ClinVar aggregate classification (germline): Uncertain significance (1 of 4 stars; one submission).

Allele frequency attached by ClinVar (database versions not stated): gnomAD 0.00003.
gnomAD v4.1: 4 of 1,613,332 alleles (0.00025%); highest among the groups gnomAD compares: African/African-American, 0.0053%; no homozygotes.

Submission:

Labcorp Genetics (formerly Invitae), Labcorp
Classification: Uncertain significance. Last evaluated: 2021-08-27. Review status: criteria provided, single submitter. Criteria: Invitae Variant Classification Sherloc (09022015). Collection method: clinical testing. Allele origin: germline.
Comment: This sequence change replaces valine with leucine at codon 63 of the SLC45A2 protein (p.Val63Leu). The valine residue is highly conserved and there is a small physicochemical difference between valine and leucine. This variant is not present in population databases (ExAC no frequency). This missense change has been observed in individual(s) with ocular albinism (PMID: 31229681). Algorithms developed to predict the effect of missense changes on protein structure and function output the following: SIFT: "Deleterious"; PolyPhen-2: "Benign"; Align-GVGD: "Class C0". The leucine amino acid residue is found in multiple mammalian species, which suggests that this missense change does not adversely affect protein function. In summary, the available evidence is currently insufficient to determine the role of this variant in disease. Therefore, it has been classified as a Variant of Uncertain Significance.

Literature cited by the submitters: PubMed 31229681.